The following is an entry in ClinVar:

NM_001002010.5(NT5C3A):c.653A>G (p.Asn218Ser)

Gene: NT5C3A (5'-nucleotidase, cytosolic IIIA; minus strand). Cytogenetic location: 7p14.3.
Variant type: single nucleotide variant.
Coding change: c.653A>G on transcript NM_001002010.5 (MANE Select); coding-DNA position 653, A replaced by G.
Protein change: p.Asn218Ser; replaces asparagine 218 with serine.
Molecular consequence: missense variant.
Genome position (GRCh38, 1-based): chr7:33,017,479, T>C on the plus strand (A>G on the coding strand, the complement: NT5C3A is on the minus strand). VCF-style: chr7-33017479-T-C. GRCh37 (hg19) VCF-style: chr7-33057091-T-C.
Other names: c.653A>G, p.Asn218Ser (NM_001374338.1); c.452A>G, p.Asn151Ser (NM_001374339.1); c.551A>G, p.Asn184Ser (NM_016489.14, NM_001002009.3); c.515A>G, p.Asn172Ser (NM_001166118.3, NM_001356996.3, NM_001374336.1 and 1 more transcripts); c.554A>G, p.Asn185Ser (NM_001374335.1); short protein forms N151S, N184S, N172S, N185S, N218S.
Identifiers: ClinVar variation 2216502 (VCV002216502.4), dbSNP rs369175085, ClinGen allele CA4213348.
Genomic context (GRCh38, chr7:33,017,479, plus strand): 5'-GAACGATTTGATATTCTTACAGTTTCATCAAAATCCATAAAATTGGACACAACTTTGACA[T>C]TGGGATGATAAACACCAGCTTGACGAATAACTTCCTCTAGTACATCGCCGATTCCAGCCG-3'
Protein context (NP_001002010.2, residues 208-228): VIRQAGVYHP[Asn218Ser]VKVVSNFMDF

ClinVar aggregate classification (germline): Uncertain significance. Review status: criteria provided, multiple submitters, no conflicts (2 of 4 stars). 2 submissions from 2 submitters: Uncertain significance (2). Last evaluated 2024-08-08.

Allele frequency attached by ClinVar (database versions not stated): gnomAD 0.00005; TOPMed 0.00006; ExAC 0.00007; ESP Exome Variant Server 0.00008.
gnomAD v4.1: 102 of 1,613,460 alleles (0.0063%); highest among the groups gnomAD compares: Admixed American, 0.023%; no homozygotes.

Submissions (2):

Labcorp Genetics (formerly Invitae), Labcorp
Classification: Uncertain significance. Last evaluated: 2024-08-08. Review status: criteria provided, single submitter. Criteria: Invitae Variant Classification Sherloc (09022015). Collection method: clinical testing. Allele origin: germline.
Comment: This sequence change replaces asparagine, which is neutral and polar, with serine, which is neutral and polar, at codon 184 of the NT5C3A protein (p.Asn184Ser). This variant is present in population databases (rs369175085, gnomAD 0.03%). This variant has not been reported in the literature in individuals affected with NT5C3A-related conditions. ClinVar contains an entry for this variant (Variation ID: 2216502). Advanced modeling of protein sequence and biophysical properties (such as structural, functional, and spatial information, amino acid conservation, physicochemical variation, residue mobility, and thermodynamic stability) performed at Invitae indicates that this missense variant is expected to disrupt NT5C3A protein function with a positive predictive value of 80%. In summary, the available evidence is currently insufficient to determine the role of this variant in disease. Therefore, it has been classified as a Variant of Uncertain Significance.

Ambry Genetics
Classification: Uncertain significance. Last evaluated: 2021-11-08. Review status: criteria provided, single submitter. Criteria: Ambry Variant Classification Scheme 2023. Collection method: clinical testing. Allele origin: germline.